The following is an entry in ClinVar:

NM_014363.6(SACS):c.4095G>A (p.Trp1365Ter)

Gene: SACS (sacsin molecular chaperone; minus strand). Cytogenetic location: 13q12.12.
Variant type: single nucleotide variant.
Coding change: c.4095G>A on transcript NM_014363.6 (MANE Select); coding-DNA position 4095, G replaced by A.
Protein change: p.Trp1365Ter; replaces tryptophan 1365 with a stop codon.
Molecular consequence: nonsense.
Genome position (GRCh38, 1-based): chr13:23,339,781, C>T on the plus strand (G>A on the coding strand, the complement: SACS is on the minus strand). VCF-style: chr13-23339781-C-T. GRCh37 (hg19) VCF-style: chr13-23913920-C-T.
Other names: c.3654G>A, p.Trp1218Ter (NM_001278055.2); short protein forms W1365*, W1218*.
Identifiers: ClinVar variation 370803 (VCV000370803.9), dbSNP rs1057516779, ClinGen allele CA16041639.

ClinVar aggregate classification (germline): Pathogenic/Likely pathogenic. Review status: criteria provided, multiple submitters, no conflicts (2 of 4 stars). 4 submissions from 4 submitters: Pathogenic (1); Likely pathogenic (2). 1 of the submissions does not count toward it. Last evaluated 2024-02-13.

Conditions:
Spastic paraplegia. Identifiers: MedGen C0037772, HP:0001258.
Charlevoix-Saguenay spastic ataxia (SACS). Also called: AUTOSOMAL RECESSIVE SPASTIC ATAXIA OF CHARLEVOIX-SAGUENAY; SPASTIC ATAXIA 6, AUTOSOMAL RECESSIVE; Spastic ataxia of Charlevoix-Saguenay. Identifiers: Orphanet 98, MedGen C1849140, MONDO:0010041, OMIM 270550.

Submissions (4):

Labcorp Genetics (formerly Invitae), Labcorp
Classification: Pathogenic for Spastic paraplegia. Last evaluated: 2024-02-13. Review status: criteria provided, single submitter. Criteria: Invitae Variant Classification Sherloc (09022015). Collection method: clinical testing. Allele origin: germline.
Comment: This sequence change creates a premature translational stop signal (p.Trp1365*) in the SACS gene. While this is not anticipated to result in nonsense mediated decay, it is expected to disrupt the last 3215 amino acid(s) of the SACS protein. This variant is not present in population databases (gnomAD no frequency). This variant has not been reported in the literature in individuals affected with SACS-related conditions. ClinVar contains an entry for this variant (Variation ID: 370803). This variant disrupts a region of the SACS protein in which other variant(s) (p.Tyr4538*) have been determined to be pathogenic (PMID: 15156359, 21507954; Invitae). This suggests that this is a clinically significant region of the protein, and that variants that disrupt it are likely to be disease-causing. For these reasons, this variant has been classified as Pathogenic.

Revvity Omics, Revvity
Classification: Likely pathogenic for Charlevoix-Saguenay spastic ataxia. Last evaluated: 2023-11-21. Review status: criteria provided, single submitter. Criteria: ACMG Guidelines, 2015. Collection method: clinical testing. Allele origin: germline.

Women's Health and Genetics/Laboratory Corporation of America, LabCorp
Classification: Likely pathogenic for Charlevoix-Saguenay spastic ataxia. Last evaluated: 2022-02-14. Review status: criteria provided, single submitter. Criteria: LabCorp Variant Classification Summary - May 2015. Collection method: clinical testing. Allele origin: germline.
Comment: Variant summary: SACS c.4095G>A (p.Trp1365X) results in a premature termination codon, predicted to cause a truncation of the encoded protein or absence of the protein due to nonsense mediated decay, which are commonly known mechanisms for disease. Truncations downstream of this position have been classified as pathogenic by our laboratory and have been reported in the HGMD database. The variant was absent in 251044 control chromosomes. To our knowledge, no occurrence of c.4095G>A in individuals affected with Autosomal Recessive Spastic Ataxia Of Charlevoix-Saguenay and no experimental evidence demonstrating its impact on protein function have been reported. One clinical diagnostic laboratory has submitted clinical-significance assessments for this variant to ClinVar after 2014 without evidence for independent evaluation and classified the variant as likely pathogenic. Based on the evidence outlined above, the variant was classified as likely pathogenic.

Counsyl
Classification: Likely pathogenic for Charlevoix-Saguenay spastic ataxia. Last evaluated: 2016-04-15. Review status: no assertion criteria provided. Collection method: clinical testing. Allele origin: unknown. Not counted in ClinVar's aggregate classification.

Literature cited by the submitters: PubMed 15156359 (cited by Labcorp Genetics (formerly Invitae), Labcorp); PubMed 21507954 (cited by Labcorp Genetics (formerly Invitae), Labcorp).